The following is an entry in ClinVar:

ClinVar aggregate classification (germline): Conflicting classifications of pathogenicity. Review status: criteria provided, conflicting classifications (1 of 4 stars). 6 submissions from 6 submitters: Uncertain significance (2); Benign (1); Likely benign (3). Last evaluated 2026-06-19.

Conditions:
Polycystic kidney disease, adult type (PKD1). Also called: Polycystic Kidney, Autosomal Dominant; Polycystic Kidney Disease 1, Autosomal Dominant; Polycystic kidney disease 1; Polycystic kidney disease 1, severe; POLYCYSTIC KIDNEY DISEASE 1 WITH OR WITHOUT POLYCYSTIC LIVER DISEASE; POLYCYSTIC KIDNEY DISEASE, ADULT, TYPE I. Identifiers: MedGen C3149841, MONDO:0008263, OMIM 173900.

Allele frequency attached by ClinVar (database versions not stated): gnomAD 0.00061 and 0.00065; TOPMed 0.00066; gnomAD exomes 0.00113.
gnomAD v4.1: 1,221 of 1,170,080 alleles (0.1%); highest among the groups gnomAD compares: Non-Finnish European, 0.12%; 1 homozygote.

Submissions (6):

Women's Health and Genetics/Laboratory Corporation of America, LabCorp
Classification: Uncertain significance. Last evaluated: 2026-06-19. Review status: criteria provided, single submitter. Criteria: LabCorp Variant Classification Summary - May 2015. Collection method: clinical testing. Allele origin: germline.
Comment: Variant summary: PKD1 c.182C>T (p.Pro61Leu) results in a non-conservative amino acid change in the encoded protein sequence. Algorithms developed to predict the effect of missense changes on protein structure and function are either unavailable or do not agree on the potential impact of this missense change. The variant allele was found at a frequency of 0.00038 in 28892 control chromosomes (gnomAD). This frequency is not significantly higher than estimated for disease-causing variants in PKD1, allowing no conclusion about variant significance. c.182C>T has been observed in individual(s) affected with PKD1-related conditions (e.g. Rossetti_2012, Waldrop_2019, Borrs_2017, Tan_2019). In some individuals, the variant was reported to co-occur with a potentially causative variant in a different gene (e.g. GANAB, PKD2). These reports do not provide unequivocal conclusions about association of the variant with disease. To our knowledge, no experimental evidence demonstrating an impact on protein function has been reported. The following publications have been ascertained in the context of this evaluation (PMID: 28378423, 18837007, 30792735, 22383692). ClinVar contains an entry for this variant (Variation ID: 256928). Based on the evidence outlined above, the variant was classified as uncertain significance.

Blueprint Genetics
Classification: Likely benign. Last evaluated: 2024-11-13. Review status: criteria provided, single submitter. Criteria: ACMG Guidelines, 2015. Collection method: clinical testing. Allele origin: germline.

Department of Pathology and Laboratory Medicine, Sinai Health System
Classification: Uncertain significance for Polycystic kidney disease, adult type. Last evaluated: 2023-10-02. Review status: criteria provided, single submitter. Criteria: ACMG Guidelines, 2015. Collection method: clinical testing. Allele origin: germline. Affected: yes.

GeneDx
Classification: Likely benign. Last evaluated: 2019-07-10. Review status: criteria provided, single submitter. Criteria: GeneDx Variant Classification Process June 2021. Collection method: clinical testing. Allele origin: germline. Affected: yes.
Comment: In silico analysis, which includes protein predictors and evolutionary conservation, supports that this variant does not alter protein structure/function; This variant is associated with the following publications: (PMID: 11967008, 18837007, 30792735)

Athena Diagnostics
Classification: Benign. Last evaluated: 2018-03-02. Review status: criteria provided, single submitter. Criteria: Athena Diagnostics Criteria. Collection method: clinical testing. Allele origin: germline.

PreventionGenetics, part of Exact Sciences
Classification: Likely benign. Review status: criteria provided, single submitter. Criteria: ACMG Guidelines, 2015. Collection method: clinical testing. Allele origin: germline.

Literature cited by the submitters: PubMed 22383692 (cited by Women's Health and Genetics/Laboratory Corporation of America, LabCorp); PubMed 18837007 (cited by 3 submitters); PubMed 28378423 (cited by 3 submitters); PubMed 30792735 (cited by Women's Health and Genetics/Laboratory Corporation of America, LabCorp and Department of Pathology and Laboratory Medicine, Sinai Health System); PubMed 11967008 (cited by Department of Pathology and Laboratory Medicine, Sinai Health System and Athena Diagnostics); PubMed 27552964 (cited by Department of Pathology and Laboratory Medicine, Sinai Health System and Athena Diagnostics); PubMed 24374109 (cited by Athena Diagnostics).

NM_001009944.3(PKD1):c.182C>T (p.Pro61Leu)

Gene: PKD1 (polycystin 1, transient receptor potential channel interacting; minus strand). Cytogenetic location: 16p13.3.
Variant type: single nucleotide variant.
Coding change: c.182C>T on transcript NM_001009944.3 (MANE Select); coding-DNA position 182, C replaced by T.
Protein change: p.Pro61Leu; replaces proline 61 with leucine.
Molecular consequence: missense variant.
Genome position (GRCh38, 1-based): chr16:2,135,508, G>A on the plus strand (C>T on the coding strand, the complement: PKD1 is on the minus strand). VCF-style: chr16-2135508-G-A. GRCh37 (hg19) VCF-style: chr16-2185509-G-A.
Other names: c.182C>T, p.Pro61Leu (NM_000296.4); short protein forms P61L.
Identifiers: ClinVar variation 256928 (VCV000256928.9), dbSNP rs886038369, ClinGen allele CA10587237.